The following is an entry in ClinVar:

ClinVar aggregate classification (germline): Pathogenic (1 of 4 stars; one submission).

Conditions:
Congenital muscular hypertrophy-cerebral syndrome (CDLS2). Also called: Cornelia de Lange syndrome 2; SMC1A-Related Cornelia de Lange Syndrome. Identifiers: Orphanet 199, MedGen C1802395, MONDO:0010370, OMIM 300590.

Submission:

Labcorp Genetics (formerly Invitae), Labcorp
Classification: Pathogenic for Congenital muscular hypertrophy-cerebral syndrome. Last evaluated: 2023-02-27. Review status: criteria provided, single submitter. Criteria: Invitae Variant Classification Sherloc (09022015). Collection method: clinical testing. Allele origin: germline.
Comment: Advanced modeling of protein sequence and biophysical properties (such as structural, functional, and spatial information, amino acid conservation, physicochemical variation, residue mobility, and thermodynamic stability) performed at Invitae indicates that this missense variant is expected to disrupt SMC1A protein function. For these reasons, this variant has been classified as Pathogenic. This missense change has been observed in individual(s) with clinical features of SMC1A-related condition (Invitae). In at least one individual the variant was observed to be de novo. This variant is not present in population databases (gnomAD no frequency). This sequence change replaces leucine, which is neutral and non-polar, with proline, which is neutral and non-polar, at codon 1141 of the SMC1A protein (p.Leu1141Pro).

NM_006306.4(SMC1A):c.3422T>C (p.Leu1141Pro)

Gene: SMC1A (structural maintenance of chromosomes 1A; minus strand). Cytogenetic location: Xp11.22.
Variant type: single nucleotide variant.
Coding change: c.3422T>C on transcript NM_006306.4 (MANE Select); coding-DNA position 3422, T replaced by C.
Protein change: p.Leu1141Pro; replaces leucine 1141 with proline.
Molecular consequence: missense variant.
Genome position (GRCh38, 1-based): chrX:53,382,247, A>G on the plus strand (T>C on the coding strand, the complement: SMC1A is on the minus strand). VCF-style: chrX-53382247-A-G. GRCh37 (hg19) VCF-style: chrX-53409168-A-G.
Other names: c.3356T>C, p.Leu1119Pro (NM_001281463.1); short protein forms L1141P, L1119P.
Identifiers: ClinVar variation 2825150 (VCV002825150.3), dbSNP rs2520822018, ClinGen allele CA413243259.